The following is an entry in ClinVar:

ClinVar aggregate classification (germline): Likely pathogenic (1 of 4 stars; one submission).

Conditions:
Deficiency of 2-methylbutyryl-CoA dehydrogenase (ACADSB). Also called: 2-methylbutyryl-CoA dehydrogenase deficiency; SBCAD deficiency; 2-methylbutyric aciduria; Short branched-chain acyl-CoA dehydrogenase deficiency; 2-methylbutyrylglycinuria. Identifiers: Orphanet 79157, MedGen C1864912, MONDO:0012392, OMIM 610006, HP:0020147.

Submission:

Institute of Human Genetics, University of Leipzig Medical Center
Classification: Likely pathogenic for Deficiency of 2-methylbutyryl-CoA dehydrogenase. Last evaluated: 2019-10-14. Review status: criteria provided, single submitter. Criteria: ACMG Guidelines, 2015. Collection method: clinical testing. Allele origin: germline. Affected: yes.
Comment: The variant was confirmed as compound heterozygous with a variant of uncertain significance (NM_001609.3: c.443C>T).

NM_001609.4(ACADSB):c.1228+2T>C

Gene: ACADSB (acyl-CoA dehydrogenase short/branched chain; plus strand). Cytogenetic location: 10q26.13.
Variant type: single nucleotide variant.
Coding change: c.1228+2T>C on transcript NM_001609.4 (MANE Select); the canonical splice donor site of the intron after coding-DNA position 1228, T replaced by C.
Molecular consequence: splice donor variant.
Genome position (GRCh38, 1-based): chr10:123,053,162, T>C. VCF-style: chr10-123053162-T-C. GRCh37 (hg19) VCF-style: chr10-124812678-T-C.
Other names: c.922+2T>C (NM_001330174.3).
Identifiers: ClinVar variation 873443 (VCV000873443.1), dbSNP rs1850655600, ClinGen allele CA378622839.